The following is an entry in ClinVar:

NM_002524.3(NRAS):c.-183G>A

Gene: NRAS (NRAS proto-oncogene, GTPase; minus strand). Cytogenetic location: 1p13.2.
Variant type: single nucleotide variant.
Coding change: c.-183G>A on transcript NM_002524.3; 183 bases upstream of the start codon, G replaced by A.
Genome position (GRCh38, 1-based): chr1:114,716,823, C>T on the plus strand (G>A on the coding strand, the complement: NRAS is on the minus strand). VCF-style: chr1-114716823-C-T. GRCh37 (hg19) VCF-style: chr1-115259444-C-T.
Identifiers: ClinVar variation 2639010 (VCV002639010.22), dbSNP rs558573760, ClinGen allele CA29047420.

ClinVar aggregate classification (germline): Likely benign (1 of 4 stars; one submission).

Allele frequency attached by ClinVar (database versions not stated): TOPMed 0.00037; gnomAD 0.00046; 1000 Genomes Project 30x 0.00062; gnomAD exomes 0.00115; 1000 Genomes Project 0.00040.

Submission:

CeGaT Center for Human Genetics Tuebingen
Classification: Likely benign. Last evaluated: 2023-05-01. Review status: criteria provided, single submitter. Criteria: CeGaT Center For Human Genetics Tuebingen Variant Classification Criteria Version 2. Collection method: clinical testing. Allele origin: germline. Affected: yes. Observed: 2 variant alleles.
Comment: NRAS: BS1